The following is an entry in ClinVar:

ClinVar aggregate classification (germline): Uncertain significance (1 of 4 stars; one submission).

gnomAD v4.1: 2 of 1,613,626 alleles (0.00012%); highest among the groups gnomAD compares: Non-Finnish European, 0.000085%; no homozygotes.

Submission:

Ambry Genetics
Classification: Uncertain significance. Last evaluated: 2024-09-02. Review status: criteria provided, single submitter. Criteria: Ambry Variant Classification Scheme 2023. Collection method: clinical testing. Allele origin: germline.
Comment: The p.V417L variant (also known as c.1249G>C), located in coding exon 12 of the PRKDC gene, results from a G to C substitution at nucleotide position 1249. The valine at codon 417 is replaced by leucine, an amino acid with highly similar properties. This amino acid position is conserved. In addition, this alteration is predicted to be tolerated by in silico analysis. Based on the available evidence, the clinical significance of this variant remains unclear.

NM_006904.7(PRKDC):c.1249G>C (p.Val417Leu)

Gene: PRKDC (protein kinase, DNA-activated, catalytic subunit; minus strand). Cytogenetic location: 8q11.21.
Variant type: single nucleotide variant.
Coding change: c.1249G>C on transcript NM_006904.7 (MANE Select); coding-DNA position 1249, G replaced by C.
Protein change: p.Val417Leu; replaces valine 417 with leucine.
Molecular consequence: missense variant.
Genome position (GRCh38, 1-based): chr8:47,936,382, C>G on the plus strand (G>C on the coding strand, the complement: PRKDC is on the minus strand). VCF-style: chr8-47936382-C-G. GRCh37 (hg19) VCF-style: chr8-48848942-C-G.
Other names: c.1249G>C, p.Val417Leu (NM_001081640.2); short protein forms V417L.
Identifiers: ClinVar variation 3425318 (VCV003425318.1).